The following is an entry in ClinVar:

ClinVar aggregate classification (germline): Uncertain significance (1 of 4 stars; one submission).

gnomAD v4.1: 11 of 1,613,794 alleles (0.00068%); highest among the groups gnomAD compares: Admixed American, 0.0083%; no homozygotes.

Submission:

Labcorp Genetics (formerly Invitae), Labcorp
Classification: Uncertain significance. Last evaluated: 2025-04-07. Review status: criteria provided, single submitter. Criteria: Invitae Variant Classification Sherloc (09022015). Collection method: clinical testing. Allele origin: germline.
Comment: This sequence change replaces threonine, which is neutral and polar, with serine, which is neutral and polar, at codon 3533 of the RNF213 protein (p.Thr3533Ser). This variant is present in population databases (no rsID available, gnomAD 0.006%). This variant has not been reported in the literature in individuals affected with RNF213-related conditions. Invitae Evidence Modeling of protein sequence and biophysical properties (such as structural, functional, and spatial information, amino acid conservation, physicochemical variation, residue mobility, and thermodynamic stability) indicates that this missense variant is not expected to disrupt RNF213 protein function with a negative predictive value of 95%. In summary, the available evidence is currently insufficient to determine the role of this variant in disease. Therefore, it has been classified as a Variant of Uncertain Significance.

NM_001256071.3(RNF213):c.10598C>G (p.Thr3533Ser)

Genes: RNF213 (ring finger protein 213; plus strand), RNF213-AS1 (RNF213 antisense RNA 1; minus strand). Cytogenetic location: 17q25.3.
Variant type: single nucleotide variant.
Coding change: c.10598C>G on transcript NM_001256071.3 (MANE Select); coding-DNA position 10598, C replaced by G.
Protein change: p.Thr3533Ser; replaces threonine 3533 with serine.
Molecular consequence: missense variant. On other transcripts: non-coding transcript variant (1).
Genome position (GRCh38, 1-based): chr17:80,354,038, C>G. VCF-style: chr17-80354038-C-G. GRCh37 (hg19) VCF-style: chr17-78327838-C-G.
Other names: c.10745C>G, p.Thr3582Ser (NM_001410195.1, NM_020914.5); short protein forms T3533S, T3582S.
Identifiers: ClinVar variation 4696833 (VCV004696833.1).